The following is an entry in ClinVar:

NM_015335.5(MED13L):c.1260A>C (p.Arg420Ser)

Gene: MED13L (mediator complex subunit 13L; minus strand). Cytogenetic location: 12q24.21.
Variant type: single nucleotide variant.
Coding change: c.1260A>C on transcript NM_015335.5 (MANE Select); coding-DNA position 1260, A replaced by C.
Protein change: p.Arg420Ser; replaces arginine 420 with serine.
Molecular consequence: missense variant.
Genome position (GRCh38, 1-based): chr12:116,012,817, T>G on the plus strand (A>C on the coding strand, the complement: MED13L is on the minus strand). VCF-style: chr12-116012817-T-G. GRCh37 (hg19) VCF-style: chr12-116450622-T-G.
Other names: short protein forms R420S.
Identifiers: ClinVar variation 642813 (VCV000642813.7), dbSNP rs768900677, ClinGen allele CA386898213.

ClinVar aggregate classification (germline): Uncertain significance (1 of 4 stars; one submission).

Conditions:
Dextro-looped transposition of the great arteries. Also called: Dextrotransposition of the great arteries. Identifiers: Orphanet 860, MedGen C3531771, MONDO:0019443, OMIM 608808, HP:0031348.

gnomAD v4.1: 2 of 1,613,478 alleles (0.00012%); highest among the groups gnomAD compares: Non-Finnish European, 0.00017%; no homozygotes.

Submission:

Labcorp Genetics (formerly Invitae), Labcorp
Classification: Uncertain significance for Dextro-looped transposition of the great arteries. Last evaluated: 2022-06-04. Review status: criteria provided, single submitter. Criteria: Invitae Variant Classification Sherloc (09022015). Collection method: clinical testing. Allele origin: germline.
Comment: This sequence change replaces arginine, which is basic and polar, with serine, which is neutral and polar, at codon 420 of the MED13L protein (p.Arg420Ser). This variant is not present in population databases (gnomAD no frequency). This variant has not been reported in the literature in individuals affected with MED13L-related conditions. ClinVar contains an entry for this variant (Variation ID: 642813). Advanced modeling of protein sequence and biophysical properties (such as structural, functional, and spatial information, amino acid conservation, physicochemical variation, residue mobility, and thermodynamic stability) performed at Invitae indicates that this missense variant is expected to disrupt MED13L protein function. In summary, the available evidence is currently insufficient to determine the role of this variant in disease. Therefore, it has been classified as a Variant of Uncertain Significance.